The following is an entry in ClinVar:

NM_007194.4(CHEK2):c.508G>C (p.Val170Leu)

Gene: CHEK2 (checkpoint kinase 2; minus strand). Cytogenetic location: 22q12.1.
Variant type: single nucleotide variant.
Coding change: c.508G>C on transcript NM_007194.4 (MANE Select); coding-DNA position 508, G replaced by C.
Protein change: p.Val170Leu; replaces valine 170 with leucine.
Molecular consequence: missense variant. On other transcripts: 5 prime UTR variant (2), intron variant (1).
Genome position (GRCh38, 1-based): chr22:28,725,061, C>G on the plus strand (G>C on the coding strand, the complement: CHEK2 is on the minus strand). VCF-style: chr22-28725061-C-G. GRCh37 (hg19) VCF-style: chr22-29121049-C-G.
Other names: c.637G>C, p.Val213Leu (NM_001005735.3, NM_001438294.1); c.-270G>C (NM_001257387.3); c.-156G>C (NM_001437942.1); c.601G>C, p.Val201Leu (NM_001438293.1, NM_001438295.1); c.508G>C, p.Val170Leu (NM_145862.3); c.445-138G>C (NM_001349956.3); short protein forms V213L, V170L, V201L.
Identifiers: ClinVar variation 2566549 (VCV002566549.2), dbSNP rs2518052816, ClinGen allele CA411107411.
Genomic context (GRCh38, chr22:28,725,061, plus strand): 5'-CAATTTCAGAATTGTTATTCAAAGGACGGCGTTTTCCTTTCCCTACAAGCTCTGTATTTA[C>G]AAAGGTTCCATTGCCACTGTGATCTTCTATGTATGCAATGTAAGAGTTTTTAGGACCCAC-3'
Protein context (NP_009125.1, residues 160-180): IEDHSGNGTF[Val170Leu]NTELVGKGKR

ClinVar aggregate classification (germline): Uncertain significance (1 of 4 stars; one submission).

Conditions:
Hereditary cancer-predisposing syndrome. Also called: Neoplastic Syndromes, Hereditary; Hereditary Cancer Syndrome; Hereditary neoplastic syndrome; Tumor predisposition. Identifiers: Orphanet 140162, MedGen C0027672, MeSH D009386, MONDO:0015356.

Submission:

Ambry Genetics
Classification: Uncertain significance for Hereditary cancer-predisposing syndrome. Last evaluated: 2023-06-10. Review status: criteria provided, single submitter. Criteria: Ambry Variant Classification Scheme 2023. Collection method: clinical testing. Allele origin: germline.
Comment: The p.V170L variant (also known as c.508G>C), located in coding exon 3 of the CHEK2 gene, results from a G to C substitution at nucleotide position 508. The valine at codon 170 is replaced by leucine, an amino acid with highly similar properties. This amino acid position is well conserved in available vertebrate species. In addition, the in silico prediction for this alteration is inconclusive. Since supporting evidence is limited at this time, the clinical significance of this alteration remains unclear.